The following is an entry in ClinVar:

ClinVar aggregate classification (germline): Conflicting classifications of pathogenicity. Review status: criteria provided, conflicting classifications (1 of 4 stars). 7 submissions from 7 submitters: Uncertain significance (1); Likely benign (4). 2 of the submissions do not count toward it. Last evaluated 2026-06-16.

Conditions:
CEP164-related disorder. Also called: CEP164-related condition.
Inborn genetic diseases. Identifiers: MedGen C0950123, MeSH D030342.
Nephronophthisis 15 (NPHP15). Identifiers: Orphanet 3156, MedGen C3541853, MONDO:0013917, OMIM 614845.

Allele frequency attached by ClinVar (database versions not stated): gnomAD 0.00004 and 0.00007; TOPMed 0.00005; ESP Exome Variant Server 0.00008; gnomAD exomes 0.00013; ExAC 0.00015; 1000 Genomes Project 0.00040; 1000 Genomes Project 30x 0.00062.

Submissions (7):

PreventionGenetics, part of Exact Sciences
Classification: Uncertain significance for CEP164-related condition. Last evaluated: 2026-06-16. Review status: criteria provided, single submitter. Criteria: ACMG Guidelines, 2015. Collection method: clinical testing. Allele origin: germline.
Comment: The CEP164 c.4265G>A variant is predicted to result in the amino acid substitution p.Arg1422His. To our knowledge, this variant has not been reported in the literature. This variant is reported in 0.062% of alleles in individuals of South Asian descent in gnomAD. Although we suspect that this variant may be benign, at this time, the clinical significance of this variant is uncertain due to the absence of conclusive functional and genetic evidence.

Labcorp Genetics (formerly Invitae), Labcorp
Classification: Likely benign for Nephronophthisis 15. Last evaluated: 2025-11-21. Review status: criteria provided, single submitter. Criteria: Invitae Variant Classification Sherloc (09022015). Collection method: clinical testing. Allele origin: germline.

Fulgent Genetics
Classification: Likely benign for Nephronophthisis 15. Last evaluated: 2024-05-09. Review status: criteria provided, single submitter. Criteria: ACMG Guidelines, 2015. Collection method: clinical testing. Allele origin: germline.

Ambry Genetics
Classification: Likely benign for Inborn genetic diseases. Last evaluated: 2023-09-22. Review status: criteria provided, single submitter. Criteria: Ambry Variant Classification Scheme 2023. Collection method: clinical testing. Allele origin: germline.

Blueprint Genetics
Classification: Likely benign. Last evaluated: 2023-08-25. Review status: criteria provided, single submitter. Criteria: ACMG Guidelines, 2015. Collection method: clinical testing. Allele origin: germline.

Clinical Genetics DNA and cytogenetics Diagnostics Lab, Erasmus MC, Erasmus Medical Center
Classification: Likely benign. Review status: no assertion criteria provided. Collection method: clinical testing. Allele origin: germline. Affected: yes. Study: VKGL Data-share Consensus. Not counted in ClinVar's aggregate classification.

Clinical Genetics, Academic Medical Center
Classification: Likely benign. Review status: no assertion criteria provided. Collection method: clinical testing. Allele origin: germline. Affected: yes. Study: VKGL Data-share Consensus. Not counted in ClinVar's aggregate classification.

NM_014956.5(CEP164):c.4265G>A (p.Arg1422His)

Gene: CEP164 (centrosomal protein 164; plus strand). Cytogenetic location: 11q23.3.
Variant type: single nucleotide variant.
Coding change: c.4265G>A on transcript NM_014956.5 (MANE Select); coding-DNA position 4265, G replaced by A.
Protein change: p.Arg1422His; replaces arginine 1422 with histidine.
Molecular consequence: missense variant.
Genome position (GRCh38, 1-based): chr11:117,411,896, G>A. VCF-style: chr11-117411896-G-A. GRCh37 (hg19) VCF-style: chr11-117282612-G-A.
Other names: c.4250G>A, p.Arg1417His (NM_001271933.2); short protein forms R1422H, R1417H.
Identifiers: ClinVar variation 741392 (VCV000741392.18), dbSNP rs74653460, ClinGen allele CA6295770.